The following is an entry in ClinVar:

NM_001194.4(HCN2):c.1503C>T (p.His501=)

Gene: HCN2 (hyperpolarization activated cyclic nucleotide gated potassium and sodium channel 2; plus strand). Cytogenetic location: 19p13.3.
Variant type: single nucleotide variant.
Coding change: c.1503C>T on transcript NM_001194.4 (MANE Select); coding-DNA position 1503, C replaced by T.
Protein change: p.His501=; no amino-acid change (histidine 501 retained).
Molecular consequence: synonymous variant.
Genome position (GRCh38, 1-based): chr19:610,324, C>T. VCF-style: chr19-610324-C-T. GRCh37 (hg19) VCF-style: chr19-610324-C-T.
Identifiers: ClinVar variation 3040381 (VCV003040381.4), dbSNP rs145767637, ClinGen allele CA9018485.

ClinVar aggregate classification (germline): Likely benign. Review status: criteria provided, multiple submitters, no conflicts (2 of 4 stars). 3 submissions from 3 submitters: Likely benign (2). 1 of the submissions does not count toward it. Last evaluated 2026-09-01.

Conditions:
HCN2-related disorder. Also called: HCN2-related condition.

Allele frequency attached by ClinVar (database versions not stated): ESP Exome Variant Server 0.00008; gnomAD 0.00008; TOPMed 0.00010; ExAC 0.00011; gnomAD exomes 0.00012.
gnomAD v4.1: 186 of 1,613,712 alleles (0.012%); highest among the groups gnomAD compares: Middle Eastern, 0.033%; no homozygotes.

Submissions (3):

CeGaT Center for Human Genetics Tuebingen
Classification: Likely benign. Last evaluated: 2026-09-01. Review status: criteria provided, single submitter. Criteria: CeGaT Center For Human Genetics Tuebingen Variant Classification Criteria Version 2. Collection method: clinical testing. Allele origin: germline. Affected: yes. Observed: 1 variant allele.
Comment: HCN2: BP4, BP7

Blueprint Genetics
Classification: Likely benign. Last evaluated: 2022-05-17. Review status: criteria provided, single submitter. Criteria: ACMG Guidelines, 2015. Collection method: clinical testing. Allele origin: germline.

PreventionGenetics, part of Exact Sciences
Classification: Likely benign for HCN2-related condition. Last evaluated: 2019-04-05. Review status: no assertion criteria provided. Collection method: clinical testing. Allele origin: germline. Not counted in ClinVar's aggregate classification.
Comment: This variant is classified as likely benign based on ACMG/AMP sequence variant interpretation guidelines (Richards et al. 2015 PMID: 25741868, with internal and published modifications).